The following is an entry in ClinVar:

NM_004793.4(LONP1):c.707G>A (p.Arg236His)

Gene: LONP1 (lon peptidase 1, mitochondrial; minus strand). Cytogenetic location: 19p13.3.
Variant type: single nucleotide variant.
Coding change: c.707G>A on transcript NM_004793.4 (MANE Select); coding-DNA position 707, G replaced by A.
Protein change: p.Arg236His; replaces arginine 236 with histidine.
Molecular consequence: missense variant. On other transcripts: non-coding transcript variant (1).
Genome position (GRCh38, 1-based): chr19:5,711,934, C>T on the plus strand (G>A on the coding strand, the complement: LONP1 is on the minus strand). VCF-style: chr19-5711934-C-T. GRCh37 (hg19) VCF-style: chr19-5711945-C-T.
Other names: c.515G>A, p.Arg172His (NM_001276479.2); c.119G>A, p.Arg40His (NM_001276480.1); short protein forms R236H, R172H, R40H.
Identifiers: ClinVar variation 1926166 (VCV001926166.5), dbSNP rs200781774, ClinGen allele CA9114996.

ClinVar aggregate classification (germline): Uncertain significance (1 of 4 stars; one submission).

Allele frequency attached by ClinVar (database versions not stated): gnomAD 0.00001; TOPMed 0.00003.
gnomAD v4.1: 65 of 1,613,122 alleles (0.004%); highest among the groups gnomAD compares: Non-Finnish European, 0.0047%; no homozygotes.

Submission:

Labcorp Genetics (formerly Invitae), Labcorp
Classification: Uncertain significance. Last evaluated: 2024-08-28. Review status: criteria provided, single submitter. Criteria: Invitae Variant Classification Sherloc (09022015). Collection method: clinical testing. Allele origin: germline.
Comment: This sequence change replaces arginine, which is basic and polar, with histidine, which is basic and polar, at codon 236 of the LONP1 protein (p.Arg236His). This variant is present in population databases (rs200781774, gnomAD 0.006%). This variant has not been reported in the literature in individuals affected with LONP1-related conditions. ClinVar contains an entry for this variant (Variation ID: 1926166). An algorithm developed to predict the effect of missense changes on protein structure and function (PolyPhen-2) suggests that this variant is likely to be tolerated. In summary, the available evidence is currently insufficient to determine the role of this variant in disease. Therefore, it has been classified as a Variant of Uncertain Significance.